The following is an entry in ClinVar:

ClinVar aggregate classification (germline): Uncertain significance (1 of 4 stars; one submission).

Conditions:
Cardiovascular phenotype. Identifiers: MedGen CN230736.

Allele frequency attached by ClinVar (database versions not stated): gnomAD exomes 0.00001.
gnomAD v4.1: 11 of 1,607,482 alleles (0.00068%); highest among the groups gnomAD compares: Non-Finnish European, 0.00093%; no homozygotes.

Submission:

Ambry Genetics
Classification: Uncertain significance for Cardiovascular phenotype. Last evaluated: 2023-12-03. Review status: criteria provided, single submitter. Criteria: Ambry Variant Classification Scheme 2023. Collection method: clinical testing. Allele origin: germline.
Comment: The p.V307G variant (also known as c.920T>G), located in coding exon 5 of the FLNC gene, results from a T to G substitution at nucleotide position 920. The valine at codon 307 is replaced by glycine, an amino acid with dissimilar properties. This amino acid position is conserved. In addition, this alteration is predicted to be tolerated by in silico analysis. Since supporting evidence is limited at this time, the clinical significance of this alteration remains unclear.

NM_001458.5(FLNC):c.920T>G (p.Val307Gly)

Gene: FLNC (filamin C; plus strand). Cytogenetic location: 7q32.1.
Variant type: single nucleotide variant.
Coding change: c.920T>G on transcript NM_001458.5 (MANE Select); coding-DNA position 920, T replaced by G.
Protein change: p.Val307Gly; replaces valine 307 with glycine.
Molecular consequence: missense variant.
Genome position (GRCh38, 1-based): chr7:128,837,706, T>G. VCF-style: chr7-128837706-T-G. GRCh37 (hg19) VCF-style: chr7-128477760-T-G.
Other names: c.920T>G, p.Val307Gly (NM_001127487.2); short protein forms V307G.
Identifiers: ClinVar variation 3221759 (VCV003221759.1), dbSNP rs1308733167, ClinGen allele CA369223121.
Genomic context (GRCh38, chr7:128,837,706, plus strand): 5'-CACAGGGCAACACCGTGCTGCAGCCTGCCCACTTCACCGTGCAGACGGTGGACGCGGGCG[T>G]GGGCGAGGTGCTGGTCTACATCGAGGACCCTGAAGGCCACACCGAGGAGGTATGCAGAGG-3'
Protein context (NP_001449.3, residues 297-317): HFTVQTVDAG[Val307Gly]GEVLVYIEDP